The following is an entry in ClinVar:

NM_017613.4(DONSON):c.163C>G (p.Leu55Val)

Gene: DONSON (DNA replication fork stabilization factor DONSON; minus strand). Cytogenetic location: 21q22.11.
Variant type: single nucleotide variant.
Coding change: c.163C>G on transcript NM_017613.4 (MANE Select); coding-DNA position 163, C replaced by G.
Protein change: p.Leu55Val; replaces leucine 55 with valine.
Molecular consequence: missense variant.
Genome position (GRCh38, 1-based): chr21:33,588,479, G>C on the plus strand (C>G on the coding strand, the complement: DONSON is on the minus strand). VCF-style: chr21-33588479-G-C. GRCh37 (hg19) VCF-style: chr21-34960785-G-C.
Other names: short protein forms L55V.
Identifiers: ClinVar variation 2062546 (VCV002062546.4), dbSNP rs2086608435, ClinGen allele CA410145046.

ClinVar aggregate classification (germline): Uncertain significance (1 of 4 stars; one submission).

Allele frequency attached by ClinVar (database versions not stated): TOPMed 0.00001.

Submission:

Labcorp Genetics (formerly Invitae), Labcorp
Classification: Uncertain significance. Last evaluated: 2022-07-05. Review status: criteria provided, single submitter. Criteria: Invitae Variant Classification Sherloc (09022015). Collection method: clinical testing. Allele origin: germline.
Comment: Algorithms developed to predict the effect of missense changes on protein structure and function (SIFT, PolyPhen-2, Align-GVGD) all suggest that this variant is likely to be tolerated. This variant has not been reported in the literature in individuals affected with DONSON-related conditions. This variant is not present in population databases (gnomAD no frequency). This sequence change replaces leucine, which is neutral and non-polar, with valine, which is neutral and non-polar, at codon 55 of the DONSON protein (p.Leu55Val). In summary, the available evidence is currently insufficient to determine the role of this variant in disease. Therefore, it has been classified as a Variant of Uncertain Significance.